The following is an entry in ClinVar:

ClinVar aggregate classification (germline): Likely benign. Review status: criteria provided, multiple submitters, no conflicts (2 of 4 stars). 4 submissions from 4 submitters: Likely benign (3). 1 of the submissions does not count toward it. Last evaluated 2025-09-10.

Conditions:
CDH2-related disorder. Also called: CDH2-related condition.
Inborn genetic diseases. Identifiers: MedGen C0950123, MeSH D030342.

Allele frequency attached by ClinVar (database versions not stated): ExAC 0.00001; gnomAD 0.00002; gnomAD exomes 0.00002; TOPMed 0.00004.
gnomAD v4.1: 32 of 1,612,832 alleles (0.002%); highest among the groups gnomAD compares: Non-Finnish European, 0.0025%; no homozygotes.

Submissions (4):

Labcorp Genetics (formerly Invitae), Labcorp
Classification: Likely benign. Last evaluated: 2025-09-10. Review status: criteria provided, single submitter. Criteria: Invitae Variant Classification Sherloc (09022015). Collection method: clinical testing. Allele origin: germline.

Blueprint Genetics
Classification: Likely benign. Last evaluated: 2024-07-22. Review status: criteria provided, single submitter. Criteria: ACMG Guidelines, 2015. Collection method: clinical testing. Allele origin: germline.

Ambry Genetics
Classification: Likely benign for Inborn genetic diseases. Last evaluated: 2022-08-03. Review status: criteria provided, single submitter. Criteria: Ambry Variant Classification Scheme 2023. Collection method: clinical testing. Allele origin: germline.

PreventionGenetics, part of Exact Sciences
Classification: Likely benign for CDH2-related condition. Last evaluated: 2019-09-10. Review status: no assertion criteria provided. Collection method: clinical testing. Allele origin: germline. Not counted in ClinVar's aggregate classification.
Comment: This variant is classified as likely benign based on ACMG/AMP sequence variant interpretation guidelines (Richards et al. 2015 PMID: 25741868, with internal and published modifications).

NM_001792.5(CDH2):c.1015C>A (p.Arg339=)

Gene: CDH2 (cadherin 2; minus strand). Cytogenetic location: 18q12.1.
Variant type: single nucleotide variant.
Coding change: c.1015C>A on transcript NM_001792.5 (MANE Select); coding-DNA position 1015, C replaced by A.
Protein change: p.Arg339=; no amino-acid change (arginine 339 retained).
Molecular consequence: synonymous variant.
Genome position (GRCh38, 1-based): chr18:28,003,002, G>T on the plus strand (C>A on the coding strand, the complement: CDH2 is on the minus strand). VCF-style: chr18-28003002-G-T. GRCh37 (hg19) VCF-style: chr18-25582966-G-T.
Other names: c.922C>A, p.Arg308= (NM_001308176.2); c.1015C>A (NM_001792.4).
Identifiers: ClinVar variation 1653463 (VCV001653463.12), dbSNP rs199703048, ClinGen allele CA8923554.